The following is an entry in ClinVar:

ClinVar aggregate classification (germline): Pathogenic (1 of 4 stars; one submission).

Submission:

Labcorp Genetics (formerly Invitae), Labcorp
Classification: Pathogenic. Last evaluated: 2024-11-06. Review status: criteria provided, single submitter. Criteria: Invitae Variant Classification Sherloc (09022015). Collection method: clinical testing. Allele origin: germline.
Comment: This sequence change creates a premature translational stop signal (p.Ser2198Profs*11) in the ZNF469 gene. While this is not anticipated to result in nonsense mediated decay, it is expected to disrupt the last 1728 amino acid(s) of the ZNF469 protein. This variant is not present in population databases (gnomAD no frequency). This variant has not been reported in the literature in individuals affected with ZNF469-related conditions. This variant disrupts a region of the ZNF469 protein in which other variant(s) (p.Pro3556Glnfs*136) have been determined to be pathogenic (PMID: 32671420). This suggests that this is a clinically significant region of the protein, and that variants that disrupt it are likely to be disease-causing. For these reasons, this variant has been classified as Pathogenic.

Literature cited by the submitters: PubMed 32671420.

NM_001367624.2(ZNF469):c.6676del (p.Ser2226fs)

Gene: ZNF469 (zinc finger protein 469; plus strand). Cytogenetic location: 16q24.2.
Variant type: Deletion.
Coding change: c.6676del on transcript NM_001367624.2 (MANE Select); coding-DNA position 6676, one base deleted (T; older notation c.6676delT).
Protein change: p.Ser2226fs; shifts the reading frame from serine 2226.
Molecular consequence: frameshift variant.
Genome position (GRCh38, 1-based): chr16:88,434,146, T deleted; the last of 2 consecutive T bases (chr16:88,434,145-88,434,146); deleting either gives the same sequence. VCF-style (leftmost placement, unchanged base first): chr16-88434144-CT-C. GRCh37 (hg19) VCF-style: chr16-88500552-CT-C.
Other names: short protein forms S2226fs.
Identifiers: ClinVar variation 3724578 (VCV003724578.2).
Genomic context (GRCh38, chr16:88,434,144, plus strand): 5'-ATCCCAAGGAAGCCCTGGCTGGTTGCCTTCTCCAGGGGGAGGGCAGCCCCCTGGAAGACC[CT>C]TCCTCCTGGCCTCCTGGCTCCGTCAGTGCTGTAACCTGCACTCACAGTGGGGACACCCCC-3'